The following is an entry in ClinVar:

NM_001369.3(DNAH5):c.1828C>T (p.Gln610Ter)

Gene: DNAH5 (dynein axonemal heavy chain 5; minus strand). Cytogenetic location: 5p15.2.
Variant type: single nucleotide variant.
Coding change: c.1828C>T on transcript NM_001369.3 (MANE Select); coding-DNA position 1828, C replaced by T.
Protein change: p.Gln610Ter; replaces glutamine 610 with a stop codon.
Molecular consequence: nonsense.
Genome position (GRCh38, 1-based): chr5:13,901,476, G>A on the plus strand (C>T on the coding strand, the complement: DNAH5 is on the minus strand). VCF-style: chr5-13901476-G-A. GRCh37 (hg19) VCF-style: chr5-13901585-G-A.
Other names: short protein forms Q610*.
Identifiers: ClinVar variation 6480 (VCV000006480.21), dbSNP rs121908853, ClinGen allele CA253866.

ClinVar aggregate classification (germline): Pathogenic. Review status: criteria provided, multiple submitters, no conflicts (2 of 4 stars). 4 submissions from 4 submitters: Pathogenic (3). 1 of the submissions does not count toward it. Last evaluated 2024-05-14.

Conditions:
Primary ciliary dyskinesia. Also called: Ciliary dyskinesia. Identifiers: Orphanet 244, MedGen C0008780, MONDO:0016575, HP:0012265.
Primary ciliary dyskinesia 3. Identifiers: Orphanet 244, MedGen C1837618, MONDO:0012085, OMIM 608644.

Allele frequency attached by ClinVar (database versions not stated): gnomAD exomes 0.00001.
gnomAD v4.1: 14 of 1,613,900 alleles (0.00087%); highest among the groups gnomAD compares: Non-Finnish European, 0.0012%; no homozygotes.

Submissions (4):

Myriad Genetics, Inc.
Classification: Pathogenic for Primary ciliary dyskinesia 3. Last evaluated: 2024-05-14. Review status: criteria provided, single submitter. Criteria: Myriad Autosomal Dominant, Autosomal Recessive and X-Linked Classification Criteria (2023). Collection method: clinical testing. Allele origin: unknown.
Comment: NM_001369.2(DNAH5):c.1828C>T(Q610*) is expected to be pathogenic in the context of primary ciliary dyskinesia, DNAH5-related. This variant is predicted to lead to an abnormal or absent protein product due to the creation of a premature termination codon in DNAH5, a gene where loss-of-function variants are known to be pathogenic. Please note: this variant was assessed in the context of healthy population screening.

Fulgent Genetics
Classification: Pathogenic for Primary ciliary dyskinesia 3. Last evaluated: 2024-01-20. Review status: criteria provided, single submitter. Criteria: ACMG Guidelines, 2015. Collection method: clinical testing. Allele origin: germline.

Labcorp Genetics (formerly Invitae), Labcorp
Classification: Pathogenic for Primary ciliary dyskinesia. Last evaluated: 2023-03-03. Review status: criteria provided, single submitter. Criteria: Invitae Variant Classification Sherloc (09022015). Collection method: clinical testing. Allele origin: germline.
Comment: For these reasons, this variant has been classified as Pathogenic. ClinVar contains an entry for this variant (Variation ID: 6480). This premature translational stop signal has been observed in individual(s) with clinical features of primary ciliary dyskinesia (PMID: 11788826). This variant is present in population databases (rs121908853, gnomAD 0.002%). This sequence change creates a premature translational stop signal (p.Gln610*) in the DNAH5 gene. It is expected to result in an absent or disrupted protein product. Loss-of-function variants in DNAH5 are known to be pathogenic (PMID: 11788826, 16627867).

OMIM
Classification: Pathogenic for CILIARY DYSKINESIA, PRIMARY, 3. Last evaluated: 2002-02-01. Review status: no assertion criteria provided. Collection method: literature only. Allele origin: germline. Not counted in ClinVar's aggregate classification.

Literature cited by the submitters: PubMed 11788826 (cited by Labcorp Genetics (formerly Invitae), Labcorp and OMIM); PubMed 16627867 (cited by Labcorp Genetics (formerly Invitae), Labcorp).